The following is an entry in ClinVar:

NM_001164508.2(NEB):c.22328G>A (p.Arg7443Gln)

Genes: NEB (nebulin; minus strand), RIF1 (replication timing regulatory factor 1; plus strand). Cytogenetic location: 2q23.3.
Variant type: single nucleotide variant.
Coding change: c.22328G>A on transcript NM_001164508.2 (MANE Select); coding-DNA position 22328, G replaced by A.
Protein change: p.Arg7443Gln; replaces arginine 7443 with glutamine.
Molecular consequence: missense variant.
Genome position (GRCh38, 1-based): chr2:151,524,561, C>T on the plus strand (G>A on the coding strand, the complement: NEB is on the minus strand). VCF-style: chr2-151524561-C-T. GRCh37 (hg19) VCF-style: chr2-152381075-C-T.
Other names: c.22328G>A, p.Arg7443Gln (NM_001164507.2); c.22433G>A, p.Arg7478Gln (NM_001271208.2); c.17225G>A, p.Arg5742Gln (NM_004543.5); short protein forms R5742Q, R7443Q, R7478Q.
Identifiers: ClinVar variation 2076356 (VCV002076356.2), dbSNP rs2084210932, ClinGen allele CA348765021.

ClinVar aggregate classification (germline): Uncertain significance. Review status: criteria provided, multiple submitters, no conflicts (2 of 4 stars). 2 submissions from 2 submitters: Uncertain significance (2). Last evaluated 2025-01-22.

Conditions:
Nemaline myopathy 2 (NEM2). Also called: Nemaline myopathy 2, autosomal recessive. Identifiers: MedGen C1850569, MONDO:0009725, OMIM 256030.

Allele frequency attached by ClinVar (database versions not stated): gnomAD 0.00001; gnomAD exomes 0.00001.
gnomAD v4.1: 16 of 1,606,290 alleles (0.001%); highest among the groups gnomAD compares: African/African-American, 0.0041%; no homozygotes.

Submissions (2):

Revvity Omics, Revvity
Classification: Uncertain significance. Last evaluated: 2025-01-22. Review status: criteria provided, single submitter. Criteria: ACMG Guidelines, 2015. Collection method: clinical testing. Allele origin: germline.

Labcorp Genetics (formerly Invitae), Labcorp
Classification: Uncertain significance for Nemaline myopathy 2. Last evaluated: 2022-07-30. Review status: criteria provided, single submitter. Criteria: Invitae Variant Classification Sherloc (09022015). Collection method: clinical testing. Allele origin: germline.
Comment: This sequence change replaces arginine, which is basic and polar, with glutamine, which is neutral and polar, at codon 7478 of the NEB protein (p.Arg7478Gln). This variant is not present in population databases (gnomAD no frequency). This variant has not been reported in the literature in individuals affected with NEB-related conditions. Algorithms developed to predict the effect of missense changes on protein structure and function are either unavailable or do not agree on the potential impact of this missense change (SIFT: "Deleterious"; PolyPhen-2: "Not Available"; Align-GVGD: "Class C0"). In summary, the available evidence is currently insufficient to determine the role of this variant in disease. Therefore, it has been classified as a Variant of Uncertain Significance.